The following is an entry in ClinVar:

NM_006005.3(WFS1):c.1210C>G (p.Pro404Ala)

Gene: WFS1 (wolframin ER transmembrane glycoprotein; plus strand). Cytogenetic location: 4p16.1.
Variant type: single nucleotide variant.
Coding change: c.1210C>G on transcript NM_006005.3 (MANE Select); coding-DNA position 1210, C replaced by G.
Protein change: p.Pro404Ala; replaces proline 404 with alanine.
Molecular consequence: missense variant.
Genome position (GRCh38, 1-based): chr4:6,301,005, C>G. VCF-style: chr4-6301005-C-G. GRCh37 (hg19) VCF-style: chr4-6302732-C-G.
Other names: c.1210C>G, p.Pro404Ala (NM_001145853.1); short protein forms P404A.
Identifiers: ClinVar variation 517504 (VCV000517504.8), dbSNP rs756869880, ClinGen allele CA2839261.

ClinVar aggregate classification (germline): Uncertain significance/Uncertain risk allele. Review status: criteria provided, multiple submitters, no conflicts (2 of 4 stars). 4 submissions from 4 submitters: Uncertain significance (3); Uncertain risk allele (1). Last evaluated 2025-05-19.

Conditions:
Autosomal dominant nonsyndromic hearing loss 6 (LFSNHL). Also called: Autosomal dominant nonsyndromic deafness 6; DEAFNESS, AUTOSOMAL DOMINANT 6; DEAFNESS, AUTOSOMAL DOMINANT 14; DEAFNESS, AUTOSOMAL DOMINANT 38. Identifiers: Orphanet 90635, MedGen C1833021, MONDO:0010963, OMIM 600965.
Type 2 diabetes mellitus. Also called: Type II diabetes mellitus. Identifiers: MedGen C0011860, MeSH D003924, MONDO:0005148, OMIM 125853, HP:0005978.
Wolfram-like syndrome. Also called: HEARING LOSS, PROGRESSIVE, WITH OPTIC ATROPHY AND/OR IMPAIRED GLUCOSE REGULATION. Identifiers: Orphanet 411590, MedGen C3280358, MONDO:0013673, OMIM 614296.
Cataract 41 (CTRCT41). Also called: CATARACT 41, CONGENITAL NUCLEAR TYPE. Identifiers: Orphanet 91492, Orphanet 98991, Orphanet 98992, Orphanet 98995, MedGen C3805412, MONDO:0007287, OMIM 116400.
Wolfram syndrome 1 (WFS1). Identifiers: Orphanet 3463, MedGen C4551693, MONDO:0009101, OMIM 222300.
Inborn genetic diseases. Identifiers: MedGen C0950123, MeSH D030342.

Allele frequency attached by ClinVar (database versions not stated): gnomAD exomes below 0.00001; ExAC 0.00001.
gnomAD v4.1: 3 of 1,614,024 alleles (0.00019%); highest among the groups gnomAD compares: East Asian, 0.0022%; no homozygotes.

Submissions (4):

Ambry Genetics
Classification: Uncertain significance for Inborn genetic diseases. Last evaluated: 2025-05-19. Review status: criteria provided, single submitter. Criteria: Ambry Variant Classification Scheme 2023. Collection method: clinical testing. Allele origin: germline.

Fulgent Genetics
Classification: Uncertain significance for Cataract 41; Type 2 diabetes mellitus; Wolfram syndrome 1; Autosomal dominant nonsyndromic hearing loss 6; Wolfram-like syndrome. Last evaluated: 2022-02-05. Review status: criteria provided, single submitter. Criteria: ACMG Guidelines, 2015. Collection method: clinical testing. Allele origin: unknown.

Laboratory for Molecular Medicine, Mass General Brigham Personalized Medicine
Classification: Uncertain significance. Last evaluated: 2017-07-25. Review status: criteria provided, single submitter. Criteria: LMM Criteria. Collection method: clinical testing. Allele origin: germline. Observed: 1 variant allele.
Comment: The p.Pro404Ala variant in WFS1 has not been previously reported in individuals with hearing loss or WFS1-related syndromes. It has been identified in 1/111718 European chromosomes by the Genome Aggregation Database (gnomAD.; dbSNP rs756869880). Although this variant has been seen in t he general population, its frequency is not high enough to rule out a pathogenic role. Computational prediction tools and conservation analyses suggest that thi s variant may impact the protein, though this information is not predictive enou gh to determine pathogenicity. In summary, the clinical significance of this var iant is uncertain.

Clinical Genomics, Uppaluri K&H Personalized Medicine Clinic
Classification: Uncertain risk allele for Wolfram syndrome 1. Review status: criteria provided, single submitter. Criteria: K & H Uppaluri Personalized Medicine Clinic Variant Classification & Assertion Criteria_Updated V.1. Collection method: research. Allele origin: unknown. Inheritance: Autosomal recessive inheritance.
Comment: Potent mutations in WFS1 gene are associated with Wolfram's syndrome, an autosomal recessive condition, which cause diabetes mellitus, diabetes insipidus, deafness and optic atrophy.However no sufficient evidence is found to ascertain the role of this particular variant rs756869880 in Wolfram's syndrome yet.

Literature cited by the submitters: PubMed 20738327 (cited by Clinical Genomics, Uppaluri K&H Personalized Medicine Clinic); PubMed 33879153 (cited by Clinical Genomics, Uppaluri K&H Personalized Medicine Clinic); PubMed 12955714 (cited by Clinical Genomics, Uppaluri K&H Personalized Medicine Clinic); PubMed 18060660 (cited by Clinical Genomics, Uppaluri K&H Personalized Medicine Clinic); PubMed 20301750 (cited by Clinical Genomics, Uppaluri K&H Personalized Medicine Clinic); PubMed 17603484 (cited by Clinical Genomics, Uppaluri K&H Personalized Medicine Clinic).